The following is an entry in ClinVar:

NM_004004.6(GJB2):c.464A>G (p.Tyr155Cys)

Gene: GJB2 (gap junction protein beta 2; minus strand). Cytogenetic location: 13q12.11.
Variant type: single nucleotide variant.
Coding change: c.464A>G on transcript NM_004004.6 (MANE Select); coding-DNA position 464, A replaced by G.
Protein change: p.Tyr155Cys; replaces tyrosine 155 with cysteine.
Molecular consequence: missense variant.
Genome position (GRCh38, 1-based): chr13:20,189,118, T>C on the plus strand (A>G on the coding strand, the complement: GJB2 is on the minus strand). VCF-style: chr13-20189118-T-C. GRCh37 (hg19) VCF-style: chr13-20763257-T-C.
Other names: short protein forms Y155C.
Identifiers: ClinVar variation 1691185 (VCV001691185.8), dbSNP rs776335807, ClinGen allele CA6904263.

ClinVar aggregate classification (germline): Conflicting classifications of pathogenicity. Review status: criteria provided, conflicting classifications (1 of 4 stars). 4 submissions from 4 submitters: Likely pathogenic (1); Uncertain significance (3). Last evaluated 2025-10-10.

Conditions:
Nonsyndromic genetic hearing loss. Also called: Non-syndromic genetic deafness; Nonsyndromic hearing loss and deafness; Nonsyndromic genetic deafness. Identifiers: Orphanet 87884, MedGen C5680182, MONDO:0019497.
Autosomal recessive nonsyndromic hearing loss 1A (DFNB1A). Also called: GJB2-Related Autosomal Recessive Nonsyndromic Hearing Loss; Connexin 26 deafness; Deafness nonsyndromic, Connexin 26 linked; Nonsyndromic Hearing Loss and Deafness, DFNB1; GJB6-Related DFNB 1 Nonsyndromic Hearing Loss and Deafness; Deafness, autosomal recessive 1A. Identifiers: Orphanet 90636, MedGen C2673759, MONDO:0009076, OMIM 220290.

Allele frequency attached by ClinVar (database versions not stated): TOPMed below 0.00001; ExAC 0.00001.
gnomAD v4.1: 4 of 1,614,114 alleles (0.00025%); highest among the groups gnomAD compares: East Asian, 0.0089%; no homozygotes.

Submissions (4):

Myriad Genetics, Inc.
Classification: Uncertain significance for Nonsyndromic genetic hearing loss. Last evaluated: 2025-10-10. Review status: criteria provided, single submitter. Criteria: Myriad Autosomal Dominant, Autosomal Recessive and X-Linked Classification Criteria (2023). Collection method: clinical testing. Allele origin: unknown.
Comment: NM_004004.5(GJB2):c.464A>G(Y155C) is a missense variant classified as a variant of uncertain significance in the context of nonsyndromic hearing loss, GJB2-related. Y155C has been observed in a case with relevant disease (PMID: 29152271). Relevant functional assessments of this variant are not available in the literature. Y155C has been observed in referenced population frequency databases. In summary, there is insufficient evidence to classify NM_004004.5(GJB2):c.464A>G(Y155C) as pathogenic or benign. Please note: this variant was assessed in the context of healthy population screening.

GeneDx
Classification: Uncertain significance. Last evaluated: 2023-12-13. Review status: criteria provided, single submitter. Criteria: GeneDx Variant Classification Process June 2021. Collection method: clinical testing. Allele origin: germline. Affected: yes.
Comment: In silico analysis supports that this missense variant has a deleterious effect on protein structure/function; This variant is associated with the following publications: (PMID: 29152271)

Victorian Clinical Genetics Services, Murdoch Childrens Research Institute
Classification: Uncertain significance for Autosomal recessive nonsyndromic hearing loss 1A. Last evaluated: 2020-10-19. Review status: criteria provided, single submitter. Criteria: ACMG Guidelines, 2015. Collection method: clinical testing. Allele origin: germline. Affected: yes.
Comment: Based on the classification scheme VCGS_Germline_v1.1.1, this variant is classified as 3A-VUS. Following criteria are met: 0102 - Loss-of-function is a known mechanism of disease for this gene. (N) 0104 - Dominant Negative is also a mechanism of disease for this gene and has been suggested for missense variants (PMIDs:1938497, 28428247). (N) 0108 - This gene is known to be associated with both recessive and dominant disease (OMIM). (N) 0200 - Variant is predicted to result in a missense amino acid change from tyrosine to cysteine (exon 2). (N) 0251 - Variant is heterozygous. (N) 0302 - Variant is present in gnomAD <0.001 for a dominant condition (v2: 4 Heterozygotes, 0 Homozygotes). (P) 0309 - An alternative amino acid change at the same position has been observed in gnomAD (v2: 1 Heterozygote, 0 Homozygotes). (N) 0501 - Missense variant consistently predicted to be damaging by multiple in silico tools or highly conserved with a major amino acid change. (P) 0600 - Variant is located in an annotated domain or motif. The variant is located in the transmembrane helical domain (UniProt). (N) 0704 - Comparable variant has low previous evidence for pathogenicity. The heterozygous p.(Tyr155Thr) variant has been reported in 3 individuals with hearing loss (PMID: 25493717). (P) 0808 - Previous reports of pathogenicity are inconclusive. This variant was found to be maternally inherited in an individual with profound hearing loss. (N) 0905 - No segregation evidence has been identified for this variant. (N) 1007 - No published functional evidence has been identified for this variant. (N) 1208 - Inheritance information for this variant is not currently available. (N) Legend: (P) - Pathogenic, (N) - Neutral, (B) - Benign

Juno Genomics, Hangzhou Juno Genomics, Inc
Classification: Likely pathogenic for Autosomal recessive nonsyndromic hearing loss 1A. Review status: criteria provided, single submitter. Criteria: ACMG Guidelines, 2015. Collection method: clinical testing. Allele origin: germline. Affected: yes.
Comment: Multiple lines of computational evidence support a deleterious effect on the gene or gene product (conservation, evolutionary, splicing impact, etc).;Absent from controls (or at extremely low frequency if recessive) in Genome Aggregation Database, Exome Sequencing Project, 1000 Genomes Project, or Exome Aggregation Consortium.;For recessive disorders, detected in trans with a pathogenic variant.

Literature cited by the submitters: PubMed 29152271 (cited by Myriad Genetics, Inc. and Victorian Clinical Genetics Services, Murdoch Childrens Research Institute); PubMed 19384972 (cited by Victorian Clinical Genetics Services, Murdoch Childrens Research Institute); PubMed 25493717 (cited by Victorian Clinical Genetics Services, Murdoch Childrens Research Institute); PubMed 28428247 (cited by Victorian Clinical Genetics Services, Murdoch Childrens Research Institute).